The following is an entry in ClinVar:

NM_054012.4(ASS1):c.472A>G (p.Asn158Asp)

Gene: ASS1 (argininosuccinate synthase 1; plus strand). Cytogenetic location: 9q34.11.
Variant type: single nucleotide variant.
Coding change: c.472A>G on transcript NM_054012.4 (MANE Select); coding-DNA position 472, A replaced by G.
Protein change: p.Asn158Asp; replaces asparagine 158 with aspartic acid.
Molecular consequence: missense variant.
Genome position (GRCh38, 1-based): chr9:130,466,776, A>G. VCF-style: chr9-130466776-A-G. GRCh37 (hg19) VCF-style: chr9-133342163-A-G.
Other names: c.472A>G, p.Asn158Asp (NM_000050.4); short protein forms N158D.
Identifiers: ClinVar variation 1408157 (VCV001408157.5), dbSNP rs1199062770, ClinGen allele CA375226476.

ClinVar aggregate classification (germline): Uncertain significance (1 of 4 stars; one submission).

Conditions:
Citrullinemia. Identifiers: Orphanet 187, MedGen C0175683, MONDO:0015991.

Allele frequency attached by ClinVar (database versions not stated): gnomAD exomes below 0.00001.

Submission:

Labcorp Genetics (formerly Invitae), Labcorp
Classification: Uncertain significance for Citrullinemia. Last evaluated: 2021-09-01. Review status: criteria provided, single submitter. Criteria: Invitae Variant Classification Sherloc (09022015). Collection method: clinical testing. Allele origin: germline.
Comment: This sequence change replaces asparagine with aspartic acid at codon 158 of the ASS1 protein (p.Asn158Asp). The asparagine residue is weakly conserved and there is a small physicochemical difference between asparagine and aspartic acid. This variant is not present in population databases (ExAC no frequency). This variant has not been reported in the literature in individuals affected with ASS1-related conditions. Algorithms developed to predict the effect of missense changes on protein structure and function (SIFT, PolyPhen-2, Align-GVGD) all suggest that this variant is likely to be tolerated. In summary, the available evidence is currently insufficient to determine the role of this variant in disease. Therefore, it has been classified as a Variant of Uncertain Significance.